The following is an entry in ClinVar:

ClinVar aggregate classification (germline): Conflicting classifications of pathogenicity. Review status: criteria provided, conflicting classifications (1 of 4 stars). 7 submissions from 6 submitters: Uncertain significance (2); Benign (1); Likely benign (4). Last evaluated 2026-01-28.

Conditions:
Dilated cardiomyopathy 1J (CMD1J). Also called: CARDIOMYOPATHY, DILATED, WITH SENSORINEURAL HEARING LOSS, AUTOSOMAL DOMINANT. Identifiers: Orphanet 217622, MedGen C1854368, MONDO:0011541, OMIM 605362.
Autosomal dominant nonsyndromic hearing loss 10. Identifiers: Orphanet 90635, MedGen C1832476, MONDO:0011031, OMIM 601316.

Allele frequency attached by ClinVar (database versions not stated): gnomAD exomes 0.00026 and 0.00033; 1000 Genomes Project 30x 0.00031; 1000 Genomes Project 0.00040; ExAC 0.00017; gnomAD 0.00017 and 0.00019; TOPMed 0.00017.
gnomAD v4.1: 502 of 1,605,806 alleles (0.031%); highest among the groups gnomAD compares: Non-Finnish European, 0.04%; no homozygotes.

Submissions (7):

Labcorp Genetics (formerly Invitae), Labcorp
Classification: Likely benign for Dilated cardiomyopathy 1J. Last evaluated: 2026-01-28. Review status: criteria provided, single submitter. Criteria: Invitae Variant Classification Sherloc (09022015). Collection method: clinical testing. Allele origin: germline.

Women's Health and Genetics/Laboratory Corporation of America, LabCorp
Classification: Benign. Last evaluated: 2025-10-07. Review status: criteria provided, single submitter. Criteria: LabCorp Variant Classification Summary - May 2015. Collection method: clinical testing. Allele origin: germline.

Blueprint Genetics
Classification: Likely benign. Last evaluated: 2024-11-14. Review status: criteria provided, single submitter. Criteria: ACMG Guidelines, 2015. Collection method: clinical testing. Allele origin: germline.

GeneDx
Classification: Likely benign. Last evaluated: 2021-10-18. Review status: criteria provided, single submitter. Criteria: GeneDx Variant Classification Process June 2021. Collection method: clinical testing. Allele origin: germline. Affected: yes.

Illumina Laboratory Services, Illumina
Classification: Uncertain significance for Autosomal dominant nonsyndromic hearing loss 10. Last evaluated: 2018-01-13. Review status: criteria provided, single submitter. Criteria: ICSL Variant Classification Criteria 13 December 2019. Collection method: clinical testing. Allele origin: germline.

Illumina Laboratory Services, Illumina
Classification: Uncertain significance for Dilated cardiomyopathy 1J. Last evaluated: 2018-01-13. Review status: criteria provided, single submitter. Criteria: ICSL Variant Classification Criteria 13 December 2019. Collection method: clinical testing. Allele origin: germline.

Laboratory for Molecular Medicine, Mass General Brigham Personalized Medicine
Classification: Likely benign. Last evaluated: 2015-02-12. Review status: criteria provided, single submitter. Criteria: LMM Criteria. Collection method: clinical testing. Allele origin: germline. Observed: 2 variant alleles.
Comment: c.1617-11C>T in Intron 17 of EYA4: This variant is not expected to have clinical significance because it does not cause the splice site sequence to diverge from the consensus.

NM_004100.5(EYA4):c.1617-11C>T

Genes: EYA4 (EYA transcriptional coactivator and phosphatase 4; plus strand), TARID (TCF21 antisense RNA inducing promoter demethylation; minus strand). Cytogenetic location: 6q23.2.
Variant type: single nucleotide variant.
Coding change: c.1617-11C>T on transcript NM_004100.5 (MANE Select); 11 bases into the intron before coding-DNA position 1617, C replaced by T.
Molecular consequence: intron variant.
Genome position (GRCh38, 1-based): chr6:133,523,045, C>T. VCF-style: chr6-133523045-C-T. GRCh37 (hg19) VCF-style: chr6-133844183-C-T.
Other names: c.1635-11C>T (NM_001301013.2); c.1617-11C>T (NM_172105.4); c.1548-11C>T (NM_001370458.1, NM_172103.4); c.1473-11C>T (NM_001370459.1); c.1455-11C>T (NM_001301012.2).
Identifiers: ClinVar variation 227369 (VCV000227369.21), dbSNP rs118166702, ClinGen allele CA4008423.